The following is an entry in ClinVar:

ClinVar aggregate classification (germline): Uncertain significance (1 of 4 stars; one submission).

Conditions:
Catecholaminergic polymorphic ventricular tachycardia (CVPT). Also called: Catecholamine-induced polymorphic ventricular tachycardia. Identifiers: Orphanet 3286, MedGen C5574922, MONDO:0017990.

gnomAD v4.1: 2 of 1,595,110 alleles (0.00013%); highest among the groups gnomAD compares: Non-Finnish European, 0.00017%; no homozygotes.

Submission:

All of Us Research Program, National Institutes of Health
Classification: Uncertain significance for Catecholaminergic polymorphic ventricular tachycardia. Last evaluated: 2024-07-20. Review status: criteria provided, single submitter. Criteria: ACMG Guidelines, 2015. Collection method: clinical testing. Allele origin: germline. Inheritance: Autosomal dominant inheritance. Observed: 1 variant allele, 1 heterozygote.
Comment: This missense variant replaces aspartic acid with glycine at codon 2944 of the RYR2 protein. Computational prediction is inconclusive regarding the impact of this variant on protein structure and function (internally defined REVEL score threshold 0.5 < inconclusive < 0.7, PMID: 27666373). To our knowledge, functional studies have not been reported for this variant. This variant has not been reported in individuals affected with RYR2-related disorders in the literature. This variant has not been identified in the general population by the Genome Aggregation Database (gnomAD). The available evidence is insufficient to determine the role of this variant in disease conclusively. Therefore, this variant is classified as a Variant of Uncertain Significance.

This study involves interpretation of variants in research participants for the purpose of population health screening. Participant phenotype was not available at the time of variant classification. Additional details can be found in publication PMID: 35346344, PMCID: PMC8962531

NM_001035.3(RYR2):c.8831A>G (p.Asp2944Gly)

Gene: RYR2 (ryanodine receptor 2; plus strand). Cytogenetic location: 1q43.
Variant type: single nucleotide variant.
Coding change: c.8831A>G on transcript NM_001035.3 (MANE Select); coding-DNA position 8831, A replaced by G.
Protein change: p.Asp2944Gly; replaces aspartic acid 2944 with glycine.
Molecular consequence: missense variant.
Genome position (GRCh38, 1-based): chr1:237,678,048, A>G. VCF-style: chr1-237678048-A-G. GRCh37 (hg19) VCF-style: chr1-237841348-A-G.
Other names: short protein forms D2944G.
Identifiers: ClinVar variation 3385804 (VCV003385804.1).